The following is an entry in ClinVar:

NM_001037131.3(AGAP1):c.2308C>T (p.Arg770Cys)

Gene: AGAP1 (ArfGAP with GTPase domain, ankyrin repeat and PH domain 1; plus strand). Cytogenetic location: 2q37.2.
Variant type: single nucleotide variant.
Coding change: c.2308C>T on transcript NM_001037131.3 (MANE Select); coding-DNA position 2308, C replaced by T.
Protein change: p.Arg770Cys; replaces arginine 770 with cysteine.
Molecular consequence: missense variant.
Genome position (GRCh38, 1-based): chr2:236,120,385, C>T. VCF-style: chr2-236120385-C-T. GRCh37 (hg19) VCF-style: chr2-237029029-C-T.
Other names: c.2308C>T (NM_001037131.2); c.2149C>T, p.Arg717Cys (NM_014914.5); short protein forms R770C, R717C.
Identifiers: ClinVar variation 2174272 (VCV002174272.6), dbSNP rs144908736, ClinGen allele CA2185215.
Genomic context (GRCh38, chr2:236,120,385, plus strand): 5'-CTGCTGCTGGCACACGGCTCCCGGGACGAGGTGAACGAGACCTGCGGGGAGGGAGACGGC[C>T]GCACGGCGCTGCATCTGGCCTGCCGCAAGGGGAATGTGGTCCTGGCGCAGCTCCTGATCT-3'
Protein context (NP_001032208.1, residues 760-780): VNETCGEGDG[Arg770Cys]TALHLACRKG

ClinVar aggregate classification (germline): Uncertain significance. Review status: criteria provided, multiple submitters, no conflicts (2 of 4 stars). 2 submissions from 2 submitters: Uncertain significance (2). Last evaluated 2025-12-02.

Allele frequency attached by ClinVar (database versions not stated): ESP Exome Variant Server 0.00015; gnomAD exomes 0.00017; ExAC 0.00022.
gnomAD v4.1: 287 of 1,611,378 alleles (0.018%); highest among the groups gnomAD compares: Middle Eastern, 0.04%; no homozygotes.

Submissions (2):

Labcorp Genetics (formerly Invitae), Labcorp
Classification: Uncertain significance. Last evaluated: 2025-12-02. Review status: criteria provided, single submitter. Criteria: Invitae Variant Classification Sherloc (09022015). Collection method: clinical testing. Allele origin: germline.
Comment: This sequence change replaces arginine, which is basic and polar, with cysteine, which is neutral and slightly polar, at codon 717 of the AGAP1 protein (p.Arg717Cys). This variant is present in population databases (rs144908736, gnomAD 0.04%). This variant has not been reported in the literature in individuals affected with AGAP1-related conditions. ClinVar contains an entry for this variant (Variation ID: 2174272). An algorithm developed to predict the effect of missense changes on protein structure and function (PolyPhen-2) suggests that this variant is likely to be tolerated. In summary, the available evidence is currently insufficient to determine the role of this variant in disease. Therefore, it has been classified as a Variant of Uncertain Significance.

Ambry Genetics
Classification: Uncertain significance. Last evaluated: 2024-08-01. Review status: criteria provided, single submitter. Criteria: Ambry Variant Classification Scheme 2023. Collection method: clinical testing. Allele origin: germline.